The following is an entry in ClinVar:

ClinVar aggregate classification (germline): Uncertain significance (1 of 4 stars; one submission).

Conditions:
Intellectual developmental disorder, X-linked, syndromic, Raymond type. Also called: Syndromic X-linked intellectual disability Raymond type. Identifiers: MedGen C3275406, MONDO:0010427, OMIM 300799.

Submission:

Dasa
Classification: Uncertain significance for Intellectual developmental disorder, X-linked, syndromic, Raymond type. Last evaluated: 2025-05-23. Review status: criteria provided, single submitter. Criteria: DASA Assertion Criteria. Collection method: clinical testing. Allele origin: germline.
Comment: NM_016032.4(ZDHHC9):c.680T>C (p.Leu227Pro) is a missense variant that results in the substitution of leucine with proline. This variant is absent from population databases. The currently available literature and clinical evidence are not sufficient to establish a definitive association between this variant and the reported condition. Therefore, this variant is classified as a variant of uncertain significance.

NM_016032.4(ZDHHC9):c.680T>C (p.Leu227Pro)

Gene: ZDHHC9 (zDHHC palmitoyltransferase 9; minus strand). Cytogenetic location: Xq26.1.
Variant type: single nucleotide variant.
Coding change: c.680T>C on transcript NM_016032.4 (MANE Select); coding-DNA position 680, T replaced by C.
Protein change: p.Leu227Pro; replaces leucine 227 with proline.
Molecular consequence: missense variant.
Genome position (GRCh38, 1-based): chrX:129,812,815, A>G on the plus strand (T>C on the coding strand, the complement: ZDHHC9 is on the minus strand). VCF-style: chrX-129812815-A-G. GRCh37 (hg19) VCF-style: chrX-128946791-A-G.
Other names: c.680T>C, p.Leu227Pro (NM_001008222.3); short protein forms L227P.
Identifiers: ClinVar variation 4882347 (VCV004882347.2).